The following is an entry in ClinVar:

NM_004583.4(RAB5C):c.415G>T (p.Ala139Ser)

Gene: RAB5C (RAB5C, member RAS oncogene family; minus strand). Cytogenetic location: 17q21.2.
Variant type: single nucleotide variant.
Coding change: c.415G>T on transcript NM_004583.4 (MANE Select); coding-DNA position 415, G replaced by T.
Protein change: p.Ala139Ser; replaces alanine 139 with serine.
Molecular consequence: missense variant.
Genome position (GRCh38, 1-based): chr17:42,128,287, C>A on the plus strand (G>T on the coding strand, the complement: RAB5C is on the minus strand). VCF-style: chr17-42128287-C-A. GRCh37 (hg19) VCF-style: chr17-40280305-C-A.
Other names: c.514G>T, p.Ala172Ser (NM_001252039.2); c.415G>T, p.Ala139Ser (NM_201434.3); short protein forms A139S, A172S.
Identifiers: ClinVar variation 4872724 (VCV004872724.2).

ClinVar aggregate classification (germline): Likely benign (1 of 4 stars; one submission).

gnomAD v4.1: 7 of 1,613,684 alleles (0.00043%); highest among the groups gnomAD compares: Admixed American, 0.012%; no homozygotes.

Submission:

CeGaT Center for Human Genetics Tuebingen
Classification: Likely benign. Last evaluated: 2026-06-01. Review status: criteria provided, single submitter. Criteria: CeGaT Center For Human Genetics Tuebingen Variant Classification Criteria Version 2. Collection method: clinical testing. Allele origin: germline. Affected: yes. Observed: 1 variant allele.
Comment: RAB5C: BS2